The following is an entry in ClinVar:

NM_005560.6(LAMA5):c.8484C>T (p.Phe2828=)

Gene: LAMA5 (laminin subunit alpha 5; minus strand). Cytogenetic location: 20q13.33.
Variant type: single nucleotide variant.
Coding change: c.8484C>T on transcript NM_005560.6 (MANE Select); coding-DNA position 8484, C replaced by T.
Protein change: p.Phe2828=; no amino-acid change (phenylalanine 2828 retained).
Molecular consequence: synonymous variant.
Genome position (GRCh38, 1-based): chr20:62,314,324, G>A on the plus strand (C>T on the coding strand, the complement: LAMA5 is on the minus strand). VCF-style: chr20-62314324-G-A. GRCh37 (hg19) VCF-style: chr20-60889380-G-A.
Other names: c.8484C>T (NM_005560.4).
Identifiers: ClinVar variation 2146355 (VCV002146355.6), dbSNP rs774183967, ClinGen allele CA9940703.

ClinVar aggregate classification (germline): Benign. Review status: criteria provided, single submitter (1 of 4 stars). 2 submissions from 2 submitters: Benign (1). 1 of the submissions does not count toward it. Last evaluated 2025-11-19.

Conditions:
LAMA5-related disorder. Also called: LAMA5-related condition; LAMA5-Related Disorders.

Allele frequency attached by ClinVar (database versions not stated): gnomAD 0.00005; ExAC 0.00008; TOPMed 0.00013.
gnomAD v4.1: 63 of 1,613,064 alleles (0.0039%); highest among the groups gnomAD compares: Admixed American, 0.063%; 1 homozygote.

Submissions (2):

Labcorp Genetics (formerly Invitae), Labcorp
Classification: Benign. Last evaluated: 2025-11-19. Review status: criteria provided, single submitter. Criteria: Invitae Variant Classification Sherloc (09022015). Collection method: clinical testing. Allele origin: germline.

PreventionGenetics, part of Exact Sciences
Classification: Likely benign for LAMA5-related condition. Last evaluated: 2019-12-31. Review status: no assertion criteria provided. Collection method: clinical testing. Allele origin: germline. Not counted in ClinVar's aggregate classification.
Comment: This variant is classified as likely benign based on ACMG/AMP sequence variant interpretation guidelines (Richards et al. 2015 PMID: 25741868, with internal and published modifications).